The following is an entry in ClinVar:

ClinVar aggregate classification (germline): Uncertain significance (1 of 4 stars; one submission).

Conditions:
Exostoses, multiple, type 2 (EXT2). Also called: Hereditary Multiple Osteochondromatosis, Type II; EXOSTOSES, MULTIPLE, TYPE II. Identifiers: Orphanet 321, MedGen C1851413, MONDO:0007586, OMIM 133701.

Submission:

Labcorp Genetics (formerly Invitae), Labcorp
Classification: Uncertain significance for Exostoses, multiple, type 2. Last evaluated: 2019-02-11. Review status: criteria provided, single submitter. Criteria: Invitae Variant Classification Sherloc (09022015). Collection method: clinical testing. Allele origin: germline.
Comment: In summary, the available evidence is currently insufficient to determine the role of this variant in disease. Therefore, it has been classified as a Variant of Uncertain Significance. This variant, c.564_566del, results in the deletion of 1 amino acid(s) of the EXT2 protein (p.Leu188del), but otherwise preserves the integrity of the reading frame. Experimental studies and prediction algorithms are not available for this variant, and the functional significance of the affected amino acid(s) is currently unknown. This variant has been observed in individuals affected with multiple osteochondromas (PMID: 19810120, Invitae). This variant is not present in population databases (ExAC no frequency).

Literature cited by the submitters: PubMed 19810120.

NM_207122.2(EXT2):c.561GTT[1] (p.Leu188del)

Gene: EXT2 (exostosin glycosyltransferase 2; plus strand). Cytogenetic location: 11p11.2.
Variant type: Microsatellite.
Coding change: c.561GTT[1] on transcript NM_207122.2 (MANE Select); one copy of the 3-base unit GTT starting at c.561; the reference has two copies in a row; one copy, 3 bases deleted.
Protein change: p.Leu188del; deletes leucine 188.
Molecular consequence: inframe deletion.
Genome position (GRCh38, 1-based): chr11:44,109,221-44,109,223, GTT deleted; deleting any 3 consecutive bases within chr11:44,109,217-44,109,223 gives the same sequence; the position shown is the placement nearest the transcript's 3' end. VCF-style (leftmost placement, unchanged base first): chr11-44109216-CTGT-C. GRCh37 (hg19) VCF-style: chr11-44130766-CTGT-C.
Other names: c.660GTT[1], p.Leu221del (NM_000401.3); c.561GTT[1], p.Leu188del (NM_001178083.3); short protein forms L221del, L188del.
Identifiers: ClinVar variation 838086 (VCV000838086.10), dbSNP rs1954106603, ClinGen allele CA916081633.